The following is an entry in ClinVar:

NM_020778.5(ALPK3):c.2950G>A (p.Val984Met)

Gene: ALPK3 (alpha kinase 3; plus strand). Cytogenetic location: 15q25.3.
Variant type: single nucleotide variant.
Coding change: c.2950G>A on transcript NM_020778.5 (MANE Select); coding-DNA position 2950, G replaced by A.
Protein change: p.Val984Met; replaces valine 984 with methionine.
Molecular consequence: missense variant.
Genome position (GRCh38, 1-based): chr15:84,857,688, G>A. VCF-style: chr15-84857688-G-A. GRCh37 (hg19) VCF-style: chr15-85400919-G-A.
Other names: short protein forms V984M.
Identifiers: ClinVar variation 3291831 (VCV003291831.1).

ClinVar aggregate classification (germline): Uncertain significance (1 of 4 stars; one submission).

Conditions:
Cardiovascular phenotype. Identifiers: MedGen CN230736.

Submission:

Ambry Genetics
Classification: Uncertain significance for Cardiovascular phenotype. Last evaluated: 2024-06-24. Review status: criteria provided, single submitter. Criteria: Ambry Variant Classification Scheme 2023. Collection method: clinical testing. Allele origin: germline.
Comment: The p.V1186M variant (also known as c.3556G>A), located in coding exon 6 of the ALPK3 gene, results from a G to A substitution at nucleotide position 3556. The valine at codon 1186 is replaced by methionine, an amino acid with highly similar properties. This amino acid position is conserved. In addition, this alteration is predicted to be tolerated by in silico analysis. Based on the available evidence, the clinical significance of this variant remains unclear.